The following is an entry in ClinVar:

ClinVar aggregate classification (germline): Uncertain significance. Review status: criteria provided, single submitter (1 of 4 stars). 2 submissions from 2 submitters: Uncertain significance (1). 1 of the submissions does not count toward it. Last evaluated 2025-12-28.

Conditions:
GUF1-related disorder. Also called: GUF1-related condition.

Allele frequency attached by ClinVar (database versions not stated): gnomAD exomes 0.00005; ExAC 0.00013; ESP Exome Variant Server 0.00033; TOPMed 0.00044; gnomAD 0.00052 and 0.00056.
gnomAD v4.1: 109 of 1,500,984 alleles (0.0073%); highest among the groups gnomAD compares: African/African-American, 0.14%; no homozygotes.

Submissions (2):

Labcorp Genetics (formerly Invitae), Labcorp
Classification: Uncertain significance. Last evaluated: 2025-12-28. Review status: criteria provided, single submitter. Criteria: Invitae Variant Classification Sherloc (09022015). Collection method: clinical testing. Allele origin: germline.
Comment: This sequence change replaces threonine, which is neutral and polar, with alanine, which is neutral and non-polar, at codon 20 of the GUF1 protein (p.Thr20Ala). This variant is present in population databases (rs368489353, gnomAD 0.2%), and has an allele count higher than expected for a pathogenic variant. This variant has not been reported in the literature in individuals affected with GUF1-related conditions. ClinVar contains an entry for this variant (Variation ID: 1350268). An algorithm developed to predict the effect of missense changes on protein structure and function outputs the following: PolyPhen-2: "Benign". The alanine amino acid residue is found in multiple mammalian species, which suggests that this missense change does not adversely affect protein function. In summary, the available evidence is currently insufficient to determine the role of this variant in disease. Therefore, it has been classified as a Variant of Uncertain Significance.

PreventionGenetics, part of Exact Sciences
Classification: Likely benign for GUF1-related condition. Last evaluated: 2024-07-11. Review status: no assertion criteria provided. Collection method: clinical testing. Allele origin: germline. Not counted in ClinVar's aggregate classification.
Comment: This variant is classified as likely benign based on ACMG/AMP sequence variant interpretation guidelines (Richards et al. 2015 PMID: 25741868, with internal and published modifications).

NM_021927.3(GUF1):c.58A>G (p.Thr20Ala)

Genes: GUF1 (GTP binding elongation factor GUF1; plus strand), LOC129992541 (ATAC-STARR-seq lymphoblastoid silent region 15397; plus strand). Cytogenetic location: 4p12.
Variant type: single nucleotide variant.
Coding change: c.58A>G on transcript NM_021927.3 (MANE Select); coding-DNA position 58, A replaced by G.
Protein change: p.Thr20Ala; replaces threonine 20 with alanine.
Molecular consequence: missense variant. On other transcripts: 5 prime UTR variant (2).
Genome position (GRCh38, 1-based): chr4:44,678,680, A>G. VCF-style: chr4-44678680-A-G. GRCh37 (hg19) VCF-style: chr4-44680697-A-G.
Other names: c.-911A>G (NM_001345867.2); c.58A>G, p.Thr20Ala (NM_001345868.2); c.-803A>G (NM_001345869.2); c.58A>G (NM_021927.2); short protein forms T20A.
Identifiers: ClinVar variation 1350268 (VCV001350268.7), dbSNP rs368489353, ClinGen allele CA2905171.
Genomic context (GRCh38, chr4:44,678,680, plus strand): 5'-GTCATGTGGACCCTCGTGGGTCGGGGCTGGGGGTGCGCACGCGCTCTCGCGCCACGAGCC[A>G]CTGGGGCCGCGCTTCTGGTGGCCCCGGGGCCCCGGTCCGCGCCGACCCTTGGGGCTGCTC-3'
Protein context (NP_068746.2, residues 10-30): GCARALAPRA[Thr20Ala]GAALLVAPGP